The following is an entry in ClinVar:

ClinVar aggregate classification (germline): Uncertain significance (1 of 4 stars; one submission).

Conditions:
Developmental and epileptic encephalopathy, 53. Also called: Epileptic encephalopathy, early infantile, 53. Identifiers: MedGen C4479313, MONDO:0033362, OMIM 617389.
Early-onset Parkinson disease 20. Also called: PARKINSON DISEASE 20, AUTOSOMAL RECESSIVE EARLY-ONSET. Identifiers: Orphanet 391411, MedGen C3809824, MONDO:0014233, OMIM 615530.

Submission:

Labcorp Genetics (formerly Invitae), Labcorp
Classification: Uncertain significance for Developmental and epileptic encephalopathy, 53; Early-onset Parkinson disease 20. Last evaluated: 2022-10-17. Review status: criteria provided, single submitter. Criteria: Invitae Variant Classification Sherloc (09022015). Collection method: clinical testing. Allele origin: germline.
Comment: This sequence change replaces serine, which is neutral and polar, with tyrosine, which is neutral and polar, at codon 942 of the SYNJ1 protein (p.Ser942Tyr). This variant is not present in population databases (gnomAD no frequency). This variant has not been reported in the literature in individuals affected with SYNJ1-related conditions. ClinVar contains an entry for this variant (Variation ID: 1496116). Advanced modeling of protein sequence and biophysical properties (such as structural, functional, and spatial information, amino acid conservation, physicochemical variation, residue mobility, and thermodynamic stability) performed at Invitae indicates that this missense variant is not expected to disrupt SYNJ1 protein function. In summary, the available evidence is currently insufficient to determine the role of this variant in disease. Therefore, it has been classified as a Variant of Uncertain Significance.

NM_203446.3(SYNJ1):c.2708C>A (p.Ser903Tyr)

Gene: SYNJ1 (synaptojanin 1; minus strand). Cytogenetic location: 21q22.11.
Variant type: single nucleotide variant.
Coding change: c.2708C>A on transcript NM_203446.3 (MANE Select); coding-DNA position 2708, C replaced by A.
Protein change: p.Ser903Tyr; replaces serine 903 with tyrosine.
Molecular consequence: missense variant.
Genome position (GRCh38, 1-based): chr21:32,656,774, G>T on the plus strand (C>A on the coding strand, the complement: SYNJ1 is on the minus strand). VCF-style: chr21-32656774-G-T. GRCh37 (hg19) VCF-style: chr21-34029084-G-T.
Other names: c.2708C>A, p.Ser903Tyr (NM_001160302.2); c.2693C>A, p.Ser898Tyr (NM_001160306.2); c.2825C>A, p.Ser942Tyr (NM_003895.4); short protein forms S942Y, S898Y, S903Y.
Identifiers: ClinVar variation 1496116 (VCV001496116.5), dbSNP rs373328306, ClinGen allele CA410073583.
Genomic context (GRCh38, chr21:32,656,774, plus strand): 5'-GCAAACTGCTGCAGAAGCTCATCAATCAAGGCATCATCAAAAAAATTATTTTCTGGTAAA[G>T]AACTTTTGATTGAGACCAATACTGTACCATCTGGTGGACCCTGAACTGCAATTACTTCTT-3'
Protein context (NP_982271.3, residues 893-913): DGTVLVSIKS[Ser903Tyr]LPENNFFDDA